The following is an entry in ClinVar:

NM_005529.7(HSPG2):c.1912A>G (p.Met638Val)

Gene: HSPG2 (heparan sulfate proteoglycan 2; minus strand). Cytogenetic location: 1p36.12.
Variant type: single nucleotide variant.
Coding change: c.1912A>G on transcript NM_005529.7 (MANE Select); coding-DNA position 1912, A replaced by G.
Protein change: p.Met638Val; replaces methionine 638 with valine.
Molecular consequence: missense variant.
Genome position (GRCh38, 1-based): chr1:21,880,742, T>C on the plus strand (A>G on the coding strand, the complement: HSPG2 is on the minus strand). VCF-style: chr1-21880742-T-C. GRCh37 (hg19) VCF-style: chr1-22207235-T-C.
Other names: c.1915A>G, p.Met639Val (NM_001291860.2); short protein forms M638V, M639V.
Identifiers: ClinVar variation 295887 (VCV000295887.19), dbSNP rs1874792, ClinGen allele CA673246.

ClinVar aggregate classification (germline): Benign. Review status: criteria provided, multiple submitters, no conflicts (2 of 4 stars). 9 submissions from 7 submitters: Benign (9). Last evaluated 2026-02-04.

Conditions:
Lethal Kniest-like syndrome (DDSH). Also called: Dyssegmental Dysplasia. Identifiers: Orphanet 1865, MedGen C1857100, MONDO:0009140, OMIM 224410.
Schwartz-Jampel syndrome. Also called: Myotonic myopathy dwarfism chondrodystrophy and ocular and facial abnormalities. Identifiers: Orphanet 800, MedGen C0036391, MONDO:0009717.

Allele frequency attached by ClinVar (database versions not stated): 1000 Genomes Project 30x 0.97111; 1000 Genomes Project 0.97364; TOPMed 0.97482; ESP Exome Variant Server 0.97566; gnomAD 0.97869; ExAC 0.99312; gnomAD exomes 0.99439 and 0.99780.
gnomAD v4.1: 1,594,995 of 1,601,730 alleles (100%); highest among the groups gnomAD compares: East Asian, 100%; 794,360 homozygotes.

Submissions (9):

Labcorp Genetics (formerly Invitae), Labcorp
Classification: Benign. Last evaluated: 2026-02-04. Review status: criteria provided, single submitter. Criteria: Invitae Variant Classification Sherloc (09022015). Collection method: clinical testing. Allele origin: germline.

Blueprint Genetics
Classification: Benign. Last evaluated: 2024-11-26. Review status: criteria provided, single submitter. Criteria: ACMG Guidelines, 2015. Collection method: clinical testing. Allele origin: germline.

Genome-Nilou Lab
Classification: Benign for Lethal Kniest-like syndrome. Last evaluated: 2021-08-10. Review status: criteria provided, single submitter. Criteria: ACMG Guidelines, 2015. Collection method: clinical testing. Allele origin: germline. Affected: no.

Genome-Nilou Lab
Classification: Benign for Schwartz-Jampel syndrome type 1. Last evaluated: 2021-08-10. Review status: criteria provided, single submitter. Criteria: ACMG Guidelines, 2015. Collection method: clinical testing. Allele origin: germline. Affected: no.

Athena Diagnostics
Classification: Benign. Last evaluated: 2019-01-28. Review status: criteria provided, single submitter. Criteria: Athena Diagnostics Criteria. Collection method: clinical testing. Allele origin: germline.

GeneDx
Classification: Benign. Last evaluated: 2018-06-14. Review status: criteria provided, single submitter. Criteria: GeneDx Variant Classification (06012015). Collection method: clinical testing. Allele origin: germline. Affected: yes.
Comment: This variant is considered likely benign or benign based on one or more of the following criteria: it is a conservative change, it occurs at a poorly conserved position in the protein, it is predicted to be benign by multiple in silico algorithms, and/or has population frequency not consistent with disease.

Illumina Laboratory Services, Illumina
Classification: Benign for Schwartz-Jampel syndrome type 1. Last evaluated: 2018-01-13. Review status: criteria provided, single submitter. Criteria: ICSL Variant Classification Criteria 13 December 2019. Collection method: clinical testing. Allele origin: germline.
Comment: This variant was observed in the ICSL laboratory as part of a predisposition screen in an ostensibly healthy population. It had not been previously curated by ICSL or reported in the Human Gene Mutation Database (HGMD: prior to June 1st, 2018), and was therefore a candidate for classification through an automated scoring system. Utilizing variant allele frequency, disease prevalence and penetrance estimates, and inheritance mode, an automated score was calculated to assess if this variant is too frequent to cause the disease. Based on the score and internal cut-off values, a variant classified as benign is not then subjected to further curation. The score for this variant resulted in a classification of benign for this disease.

Illumina Laboratory Services, Illumina
Classification: Benign for Lethal Kniest-like syndrome. Last evaluated: 2018-01-13. Review status: criteria provided, single submitter. Criteria: ICSL Variant Classification Criteria 13 December 2019. Collection method: clinical testing. Allele origin: germline.
Comment: the same text as in the submission from Illumina Laboratory Services, Illumina above.

Breakthrough Genomics
Classification: Benign. Review status: criteria provided, single submitter. Criteria: ACMG Guidelines, 2015. Collection method: not provided. Allele origin: germline. Inheritance: Autosomal recessive inheritance. Affected: yes.